The following is an entry in ClinVar:

NM_006947.4(SRP72):c.1314C>G (p.Asn438Lys)

Gene: SRP72 (signal recognition particle 72; plus strand). Cytogenetic location: 4q12.
Variant type: single nucleotide variant.
Coding change: c.1314C>G on transcript NM_006947.4 (MANE Select); coding-DNA position 1314, C replaced by G.
Protein change: p.Asn438Lys; replaces asparagine 438 with lysine.
Molecular consequence: missense variant. On other transcripts: non-coding transcript variant (1).
Genome position (GRCh38, 1-based): chr4:56,489,477, C>G. VCF-style: chr4-56489477-C-G. GRCh37 (hg19) VCF-style: chr4-57355643-C-G.
Other names: c.1131C>G, p.Asn377Lys (NM_001267722.2); short protein forms N377K, N438K.
Identifiers: ClinVar variation 3962061 (VCV003962061.1).

ClinVar aggregate classification (germline): Uncertain significance (1 of 4 stars; one submission).

Submission:

Ambry Genetics
Classification: Uncertain significance. Last evaluated: 2025-04-11. Review status: criteria provided, single submitter. Criteria: Ambry Variant Classification Scheme 2023. Collection method: clinical testing. Allele origin: germline.
Comment: The p.N438K variant (also known as c.1314C>G), located in coding exon 13 of the SRP72 gene, results from a C to G substitution at nucleotide position 1314. The asparagine at codon 438 is replaced by lysine, an amino acid with similar properties. This amino acid position is conserved. In addition, this alteration is predicted to be tolerated by in silico analysis. Based on the available evidence, the clinical significance of this variant remains unclear.